The following is an entry in ClinVar:

NM_002206.3(ITGA7):c.2282C>G (p.Thr761Ser)

Genes: ITGA7 (integrin subunit alpha 7; minus strand), LOC126861535 (CDK7 strongly-dependent group 2 enhancer GRCh37_chr12:56087579-56088778; plus strand). Cytogenetic location: 12q13.2.
Variant type: single nucleotide variant.
Coding change: c.2282C>G on transcript NM_002206.3 (MANE Select); coding-DNA position 2282, C replaced by G.
Protein change: p.Thr761Ser; replaces threonine 761 with serine.
Molecular consequence: missense variant.
Genome position (GRCh38, 1-based): chr12:55,694,518, G>C on the plus strand (C>G on the coding strand, the complement: ITGA7 is on the minus strand). VCF-style: chr12-55694518-G-C. GRCh37 (hg19) VCF-style: chr12-56088302-G-C.
Other names: c.2294C>G, p.Thr765Ser (NM_001144996.2); c.2003C>G, p.Thr668Ser (NM_001144997.2); c.1955C>G, p.Thr652Ser (NM_001367993.1); c.938C>G, p.Thr313Ser (NM_001367994.1); c.2264C>G, p.Thr755Ser (NM_001374465.1); c.2414C>G, p.Thr805Ser (NM_001410977.1); c.2276C>G, p.Thr759Ser (NM_001414029.1); c.2207C>G, p.Thr736Ser (NM_001414030.1); and 6 more; short protein forms T652S, T761S, T313S, T755S, T765S, T668S, T805S, T721S.
Identifiers: ClinVar variation 1045894 (VCV001045894.11), dbSNP rs550342721, ClinGen allele CA385183272.

ClinVar aggregate classification (germline): Uncertain significance. Review status: criteria provided, multiple submitters, no conflicts (2 of 4 stars). 2 submissions from 2 submitters: Uncertain significance (2). Last evaluated 2020-09-25.

Conditions:
Congenital muscular dystrophy due to integrin alpha-7 deficiency. Also called: MYOPATHY, CONGENITAL, DUE TO INTEGRIN ALPHA-7 DEFICIENCY; Congenital muscular dystrophy with integrin alpha-7 deficiency; Muscular dystrophy, congenital, due to ITGA7 deficiency. Identifiers: Orphanet 34520, MedGen C2750786, MONDO:0013177, OMIM 613204.

gnomAD v4.1: 3 of 1,614,216 alleles (0.00019%); highest among the groups gnomAD compares: Non-Finnish European, 0.00025%; no homozygotes.

Submissions (2):

Labcorp Genetics (formerly Invitae), Labcorp
Classification: Uncertain significance for Congenital muscular dystrophy due to integrin alpha-7 deficiency. Last evaluated: 2020-09-25. Review status: criteria provided, single submitter. Criteria: Invitae Variant Classification Sherloc (09022015). Collection method: clinical testing. Allele origin: germline.
Comment: In summary, the available evidence is currently insufficient to determine the role of this variant in disease. Therefore, it has been classified as a Variant of Uncertain Significance. Algorithms developed to predict the effect of missense changes on protein structure and function (SIFT, PolyPhen-2, Align-GVGD) all suggest that this variant is likely to be tolerated, but these predictions have not been confirmed by published functional studies and their clinical significance is uncertain. This variant has not been reported in the literature in individuals with ITGA7-related conditions. This variant is not present in population databases (ExAC no frequency). This sequence change replaces threonine with serine at codon 761 of the ITGA7 protein (p.Thr761Ser). The threonine residue is moderately conserved and there is a small physicochemical difference between threonine and serine.

Revvity Omics, Revvity
Classification: Uncertain significance for Congenital muscular dystrophy due to integrin alpha-7 deficiency. Last evaluated: 2019-07-08. Review status: criteria provided, single submitter. Criteria: ACMG Guidelines, 2015. Collection method: clinical testing. Allele origin: germline.